The following is an entry in ClinVar:

NM_024408.4(NOTCH2):c.3046G>A (p.Gly1016Ser)

Gene: NOTCH2 (notch receptor 2; minus strand). Cytogenetic location: 1p12.
Variant type: single nucleotide variant.
Coding change: c.3046G>A on transcript NM_024408.4 (MANE Select); coding-DNA position 3046, G replaced by A.
Protein change: p.Gly1016Ser; replaces glycine 1016 with serine.
Molecular consequence: missense variant.
Genome position (GRCh38, 1-based): chr1:119,940,692, C>T on the plus strand (G>A on the coding strand, the complement: NOTCH2 is on the minus strand). VCF-style: chr1-119940692-C-T. GRCh37 (hg19) VCF-style: chr1-120483315-C-T.
Other names: p.Gly1016Ser; c.3046G>A, p.Gly1016Ser (NM_001200001.2); c.3046G>A (NM_024408.3); short protein forms G1016S.
Identifiers: ClinVar variation 194987 (VCV000194987.15), dbSNP rs782191722, ClinGen allele CA241241.

ClinVar aggregate classification (germline): Conflicting classifications of pathogenicity. Review status: criteria provided, conflicting classifications (1 of 4 stars). 6 submissions from 6 submitters: Uncertain significance (5); Likely benign (1). Last evaluated 2026-05-06.

Conditions:
NOTCH2-related disorder. Also called: NOTCH2-related condition.
Hajdu-Cheney syndrome (HJCYS). Also called: ACROOSTEOLYSIS WITH OSTEOPOROSIS AND CHANGES IN SKULL AND MANDIBLE; SERPENTINE FIBULA-POLYCYSTIC KIDNEY SYNDROME; Acroosteolysis dominant type. Identifiers: Orphanet 955, MedGen C0917715, MONDO:0007057, OMIM 102500.
Alagille syndrome due to a NOTCH2 point mutation. Also called: Alagille syndrome 2. Identifiers: Orphanet 261629, Orphanet 52, MedGen C1857761, MONDO:0012439, OMIM 610205.

Allele frequency attached by ClinVar (database versions not stated): gnomAD exomes below 0.00001 and 0.00002; ExAC 0.00001; TOPMed 0.00002.
gnomAD v4.1: 10 of 1,614,120 alleles (0.00062%); highest among the groups gnomAD compares: East Asian, 0.0067%; no homozygotes.

Submissions (6):

PreventionGenetics, part of Exact Sciences
Classification: Uncertain significance for NOTCH2-related condition. Last evaluated: 2026-05-06. Review status: criteria provided, single submitter. Criteria: ACMG Guidelines, 2015. Collection method: clinical testing. Allele origin: germline.
Comment: The NOTCH2 c.3046G>A variant is predicted to result in the amino acid substitution p.Gly1016Ser. To our knowledge, this variant has not been reported in the literature. This variant is reported in 0.0065% of alleles in individuals of South Asian descent in gnomAD. At this time, the clinical significance of this variant is uncertain due to the absence of conclusive functional and genetic evidence.

Labcorp Genetics (formerly Invitae), Labcorp
Classification: Uncertain significance for Hajdu-Cheney syndrome. Last evaluated: 2026-01-18. Review status: criteria provided, single submitter. Criteria: Invitae Variant Classification Sherloc (09022015). Collection method: clinical testing. Allele origin: germline.
Comment: This sequence change replaces glycine, which is neutral and non-polar, with serine, which is neutral and polar, at codon 1016 of the NOTCH2 protein (p.Gly1016Ser). This variant is present in population databases (rs782191722, gnomAD 0.006%). This variant has not been reported in the literature in individuals affected with NOTCH2-related conditions. ClinVar contains an entry for this variant (Variation ID: 194987). Invitae Evidence Modeling of protein sequence and biophysical properties (such as structural, functional, and spatial information, amino acid conservation, physicochemical variation, residue mobility, and thermodynamic stability) has been performed for this missense variant. However, the output from this modeling did not meet the statistical confidence thresholds required to predict the impact of this variant on NOTCH2 protein function. In summary, the available evidence is currently insufficient to determine the role of this variant in disease. Therefore, it has been classified as a Variant of Uncertain Significance.

Mayo Clinic Laboratories, Mayo Clinic
Classification: Uncertain significance. Last evaluated: 2025-12-09. Review status: criteria provided, single submitter. Criteria: ACMG Guidelines, 2015. Collection method: clinical testing. Allele origin: germline. Observed: 1 variant allele.
Comment: PP3_moderate, PM2_supporting

Blueprint Genetics
Classification: Likely benign. Last evaluated: 2023-10-30. Review status: criteria provided, single submitter. Criteria: ACMG Guidelines, 2015. Collection method: clinical testing. Allele origin: germline.

Fulgent Genetics
Classification: Uncertain significance for Hajdu-Cheney syndrome; Alagille syndrome due to a NOTCH2 point mutation. Last evaluated: 2022-04-03. Review status: criteria provided, single submitter. Criteria: ACMG Guidelines, 2015. Collection method: clinical testing. Allele origin: unknown.

Eurofins Ntd Llc (ga)
Classification: Uncertain significance. Last evaluated: 2017-10-13. Review status: criteria provided, single submitter. Criteria: EGL Classification Definitions 2015. Collection method: clinical testing. Allele origin: germline. Observed: 2 variant alleles, 2 heterozygotes.